The following is an entry in ClinVar:

NM_015065.3(EXPH5):c.392T>A (p.Phe131Tyr)

Gene: EXPH5 (exophilin 5; minus strand). Cytogenetic location: 11q22.3.
Variant type: single nucleotide variant.
Coding change: c.392T>A on transcript NM_015065.3 (MANE Select); coding-DNA position 392, T replaced by A.
Protein change: p.Phe131Tyr; replaces phenylalanine 131 with tyrosine.
Molecular consequence: missense variant.
Genome position (GRCh38, 1-based): chr11:108,539,075, A>T on the plus strand (T>A on the coding strand, the complement: EXPH5 is on the minus strand). VCF-style: chr11-108539075-A-T. GRCh37 (hg19) VCF-style: chr11-108409802-A-T.
Other names: c.164T>A, p.Phe55Tyr (NM_001144763.2); c.371T>A, p.Phe124Tyr (NM_001308019.2); short protein forms F124Y, F131Y, F55Y.
Identifiers: ClinVar variation 3048155 (VCV003048155.3), dbSNP rs116205685, ClinGen allele CA6268277.
Genomic context (GRCh38, chr11:108,539,075, plus strand): 5'-TTAACTCACCCTTTCTGTCCCAGTGATGGAAGCTTTGAAGTCTCCTTTCCAGATTTCCTG[A>T]ATGAGAACAGGGAAGCAAATGACGATCTGAAGCTCATCCGGGAAGAAAAAGGTGTCGGCT-3'
Protein context (NP_055880.2, residues 121-141): FRSSFASLFS[Phe131Tyr]RKSGKETSKL

ClinVar aggregate classification (germline): Likely benign. Review status: criteria provided, single submitter (1 of 4 stars). 2 submissions from 2 submitters: Likely benign (1). 1 of the submissions does not count toward it. Last evaluated 2025-10-26.

Conditions:
EXPH5-related disorder. Also called: EXPH5-related condition.

Allele frequency attached by ClinVar (database versions not stated): gnomAD exomes 0.00014; ExAC 0.00046; 1000 Genomes Project 0.00100; 1000 Genomes Project 30x 0.00109; gnomAD 0.00145; TOPMed 0.00163; ESP Exome Variant Server 0.00223.
gnomAD v4.1: 432 of 1,609,016 alleles (0.027%); highest among the groups gnomAD compares: African/African-American, 0.52%; no homozygotes.

Submissions (2):

Labcorp Genetics (formerly Invitae), Labcorp
Classification: Likely benign. Last evaluated: 2025-10-26. Review status: criteria provided, single submitter. Criteria: Invitae Variant Classification Sherloc (09022015). Collection method: clinical testing. Allele origin: germline.

PreventionGenetics, part of Exact Sciences
Classification: Likely benign for EXPH5-related condition. Last evaluated: 2019-11-26. Review status: no assertion criteria provided. Collection method: clinical testing. Allele origin: germline. Not counted in ClinVar's aggregate classification.
Comment: This variant is classified as likely benign based on ACMG/AMP sequence variant interpretation guidelines (Richards et al. 2015 PMID: 25741868, with internal and published modifications).